The following is an entry in ClinVar:

ClinVar aggregate classification (germline): Uncertain significance (1 of 4 stars; one submission).

Allele frequency attached by ClinVar (database versions not stated): TOPMed below 0.00001; ExAC 0.00001; gnomAD 0.00001; gnomAD exomes 0.00002.
gnomAD v4.1: 11 of 1,614,052 alleles (0.00068%); highest among the groups gnomAD compares: East Asian, 0.018%; no homozygotes.

Submissions (2):

Labcorp Genetics (formerly Invitae), Labcorp
Classification: Uncertain significance. Last evaluated: 2025-09-15. Review status: criteria provided, single submitter. Criteria: Invitae Variant Classification Sherloc (09022015). Collection method: clinical testing. Allele origin: germline.
Comment: This sequence change replaces glutamic acid, which is acidic and polar, with alanine, which is neutral and non-polar, at codon 850 of the FN1 protein (p.Glu850Ala). This variant is not present in population databases (gnomAD no frequency). This variant has not been reported in the literature in individuals affected with FN1-related conditions. ClinVar contains an entry for this variant (Variation ID: 2799418). An algorithm developed to predict the effect of missense changes on protein structure and function (PolyPhen-2) suggests that this variant is likely to be disruptive. In summary, the available evidence is currently insufficient to determine the role of this variant in disease. Therefore, it has been classified as a Variant of Uncertain Significance.

Dr. Peter K. Rogan Lab, Western University
No classification provided (evidence only). Condition: Gastric cancer. Review status: no classification provided. Collection method: in vitro. Allele origin: not applicable. Functional consequence: retained intron. Not counted in ClinVar's aggregate classification.

NM_212482.4(FN1):c.2549A>C (p.Glu850Ala)

Gene: FN1 (fibronectin 1; minus strand). Cytogenetic location: 2q35.
Variant type: single nucleotide variant.
Coding change: c.2549A>C on transcript NM_212482.4 (MANE Select); coding-DNA position 2549, A replaced by C.
Protein change: p.Glu850Ala; replaces glutamic acid 850 with alanine.
Molecular consequence: missense variant.
Genome position (GRCh38, 1-based): chr2:215,407,291, T>G on the plus strand (A>C on the coding strand, the complement: FN1 is on the minus strand). VCF-style: chr2-215407291-T-G. GRCh37 (hg19) VCF-style: chr2-216272014-T-G.
Other names: c.2549A>C, p.Glu850Ala (NM_212476.3, NM_212478.3, NM_001306129.2 and 13 more transcripts); short protein forms E850A.
Identifiers: ClinVar variation 2799418 (VCV002799418.4), dbSNP rs750365849, ClinGen allele CA2094931.